The following is an entry in ClinVar:

Conditions:
Long QT syndrome 5 (LQT5). Identifiers: Orphanet 101016, Orphanet 768, MedGen C1867904, MONDO:0013372, OMIM 613695.

Submission:

Roden Lab, Vanderbilt University Medical Center
No classification provided (evidence only). Condition: Long QT syndrome 5. Review status: no classification provided. Collection method: in vitro. Allele origin: not applicable. Functional consequence: Effect on ion channel function.
ClinVar note: "not provided" was previously submitted as the classification for the variant. However, the classification appeared to be based only on an observation of functional data so it was converted to no classification on 2025-07-30.

NM_000219.6(KCNE1):c.249G>T (p.Glu83Asp)

Gene: KCNE1 (potassium voltage-gated channel subfamily E regulatory subunit 1; minus strand). Cytogenetic location: 21q22.12.
Variant type: single nucleotide variant.
Coding change: c.249G>T on transcript NM_000219.6 (MANE Select); coding-DNA position 249, G replaced by T.
Protein change: p.Glu83Asp; replaces glutamic acid 83 with aspartic acid.
Molecular consequence: missense variant.
Genome position (GRCh38, 1-based): chr21:34,449,386, C>A on the plus strand (G>T on the coding strand, the complement: KCNE1 is on the minus strand). VCF-style: chr21-34449386-C-A. GRCh37 (hg19) VCF-style: chr21-35821684-C-A.
Other names: c.249G>T, p.Glu83Asp (NM_001127668.4, NM_001127669.4, NM_001127670.4 and 4 more transcripts); short protein forms E83D.
Identifiers: ClinVar variation 3374436 (VCV003374436.2).